The following is an entry in ClinVar:

NM_004364.5(CEBPA):c.320del (p.Asp107fs)

Gene: CEBPA (CCAAT enhancer binding protein alpha; minus strand). Cytogenetic location: 19q13.11.
Variant type: Deletion.
Coding change: c.320del on transcript NM_004364.5 (MANE Select); coding-DNA position 320, one base deleted (A; older notation c.320delA).
Protein change: p.Asp107fs; shifts the reading frame from aspartic acid 107.
Molecular consequence: frameshift variant. On other transcripts: 5 prime UTR variant (1).
Genome position (GRCh38, 1-based): chr19:33,302,095, T deleted on the plus strand (A on the coding strand, the reverse complement: CEBPA is on the minus strand). VCF-style (leftmost placement, unchanged base first): chr19-33302094-GT-G. GRCh37 (hg19) VCF-style: chr19-33793000-GT-G.
Other names: c.320delA (NM_004364.4); c.-38del (NM_001285829.2); c.425del, p.Asp142fs (NM_001287424.2); c.278del, p.Asp93fs (NM_001287435.2); short protein forms D107fs, D93fs, D142fs.
Identifiers: ClinVar variation 653792 (VCV000653792.7), dbSNP rs1600023511, ClinGen allele CA915952995.

ClinVar aggregate classification (germline): Pathogenic (1 of 4 stars; one submission).

Conditions:
Acute myeloid leukemia (AML). Also called: Acute myeloid leukemia, adult; AML adult; Acute non-lymphocytic leukemia; Acute granulocytic leukemia; Leukemia, acute myeloid, somatic; Leukemia, acute myelogenous, somatic. Identifiers: Orphanet 519, MedGen C0023467, MeSH D015470, MONDO:0018874, OMIM 601626, HP:0004808. Disease mechanism: Constitutively activated FLT3.

Submission:

Labcorp Genetics (formerly Invitae), Labcorp
Classification: Pathogenic for Acute myeloid leukemia. Last evaluated: 2021-12-15. Review status: criteria provided, single submitter. Criteria: Invitae Variant Classification Sherloc (09022015). Collection method: clinical testing. Allele origin: germline.
Comment: For these reasons, this variant has been classified as Pathogenic. This variant disrupts the region of the CEBPA protein between codon 1 and 120. Other variants in this region have been observed in individuals with autosomal dominant CEBPA-related conditions (PMID: 11242107, 31867767, 32430494; Invitae), which suggests that this may be a clinically significant region of the protein. This variant disrupts the production of the full length isoform (p42) of the CEBPA protein, which results in the preferential usage of an alternate downstream in-frame methionine at codon 120. Translation starting from this methionine results in a 30 kDa N-terminal truncated isoform of CEBPA that lacks the TAD1 domain, and has been shown to abrogate CEBPA function by acting as a dominant-negative allele (PMID: 11242107, 26162409, 11242107). While functional studies have not been performed to directly test the effect of this variant on CEBPA protein function, this suggests that disruption of this region of the protein is causative of disease. ClinVar contains an entry for this variant (Variation ID: 653792). This variant has not been reported in the literature in individuals affected with CEBPA-related conditions. This variant is not present in population databases (gnomAD no frequency). This sequence change creates a premature translational stop signal (p.Asp107Alafs*53) in the CEBPA gene. While this is not anticipated to result in nonsense mediated decay, it is expected to disrupt the last 252 amino acid(s) of the CEBPA protein.

Literature cited by the submitters: PubMed 11242107; PubMed 31867767; PubMed 32430494; PubMed 26162409.